The following is an entry in ClinVar:

ClinVar aggregate classification (germline): Uncertain significance (1 of 4 stars; one submission).

Conditions:
Inborn genetic diseases. Identifiers: MedGen C0950123, MeSH D030342.

Submission:

Ambry Genetics
Classification: Uncertain significance for Inborn genetic diseases. Last evaluated: 2019-07-17. Review status: criteria provided, single submitter. Criteria: Ambry Variant Classification Scheme 2023. Collection method: clinical testing. Allele origin: germline.
Comment: The p.H1876Q variant (also known as c.5628T>G), located in coding exon 39 of the SZT2 gene, results from a T to G substitution at nucleotide position 5628. The histidine at codon 1876 is replaced by glutamine, an amino acid with highly similar properties. This amino acid position is highly conserved in available vertebrate species. In addition, this alteration is predicted to be deleterious by in silico analysis. Since supporting evidence is limited at this time, the clinical significance of this alteration remains unclear.

NM_001365999.1(SZT2):c.5799T>G (p.His1933Gln)

Gene: SZT2 (SZT2 subunit of KICSTOR complex; plus strand). Cytogenetic location: 1p34.2.
Variant type: single nucleotide variant.
Coding change: c.5799T>G on transcript NM_001365999.1 (MANE Select); coding-DNA position 5799, T replaced by G.
Protein change: p.His1933Gln; replaces histidine 1933 with glutamine.
Molecular consequence: missense variant.
Genome position (GRCh38, 1-based): chr1:43,433,185, T>G. VCF-style: chr1-43433185-T-G. GRCh37 (hg19) VCF-style: chr1-43898856-T-G.
Other names: c.5628T>G, p.His1876Gln (NM_015284.4); short protein forms H1876Q, H1933Q.
Identifiers: ClinVar variation 1748724 (VCV001748724.2), dbSNP rs2545833085, ClinGen allele CA340026526.